The following is an entry in ClinVar:

NM_000368.5(TSC1):c.1244C>G (p.Thr415Arg)

Gene: TSC1 (TSC complex subunit 1; minus strand). Cytogenetic location: 9q34.13.
Variant type: single nucleotide variant.
Coding change: c.1244C>G on transcript NM_000368.5 (MANE Select); coding-DNA position 1244, C replaced by G.
Protein change: p.Thr415Arg; replaces threonine 415 with arginine.
Molecular consequence: missense variant. On other transcripts: non-coding transcript variant (5).
Genome position (GRCh38, 1-based): chr9:132,910,590, G>C on the plus strand (C>G on the coding strand, the complement: TSC1 is on the minus strand). VCF-style: chr9-132910590-G-C. GRCh37 (hg19) VCF-style: chr9-135785977-G-C.
Other names: c.1244C>G, p.Thr415Arg (NM_001406606.1, NM_001406607.1, NM_001406592.1 and 7 more transcripts); c.1241C>G, p.Thr414Arg (NM_001406608.1, NM_001406609.1, NM_001162426.2 and 6 more transcripts); c.1091C>G, p.Thr364Arg (NM_001406610.1, NM_001162427.2); c.1088C>G, p.Thr363Arg (NM_001406611.1, NM_001406612.1, NM_001406613.1); c.881C>G, p.Thr294Arg (NM_001406614.1, NM_001406615.1, NM_001362177.2 and 5 more transcripts); c.878C>G, p.Thr293Arg (NM_001406620.1, NM_001406621.1, NM_001406622.1 and 2 more transcripts); c.293C>G, p.Thr98Arg (NM_001406626.1); c.290C>G, p.Thr97Arg (NM_001406627.1, NM_001406628.1); and 1 more; short protein forms T64R, T293R, T363R, T414R, T97R, T98R, T294R, T364R.
Identifiers: ClinVar variation 5031225 (VCV005031225.1).
Genomic context (GRCh38, chr9:132,910,590, plus strand): 5'-CTGTGCCTGGGCAGAGGGATAGCAGACGAGCTGGATCGCACCTTCCTGGGGGGTGTGACT[G>C]TGGCCTGGGGGAGTGAAATGTGCACGTAGTCATCCGAATGACAGAGTGGGGCTGGAGGAG-3'
Protein context (NP_000359.1, residues 405-425): DYVHISLPQA[Thr415Arg]VTPPRKEERM

ClinVar aggregate classification (germline): Uncertain significance (1 of 4 stars; one submission).

Conditions:
Hereditary cancer-predisposing syndrome. Also called: Neoplastic Syndromes, Hereditary; Tumor predisposition; Hereditary neoplastic syndrome; Hereditary Cancer Syndrome. Identifiers: Orphanet 140162, MedGen C0027672, MeSH D009386, MONDO:0015356.

Submission:

Ambry Genetics
Classification: Uncertain significance for Hereditary cancer-predisposing syndrome. Last evaluated: 2026-07-07. Review status: criteria provided, single submitter. Criteria: Ambry Variant Classification Scheme 2023. Collection method: clinical testing. Allele origin: germline.
Comment: The p.T415R variant (also known as c.1244C>G), located in coding exon 10 of the TSC1 gene, results from a C to G substitution at nucleotide position 1244. The threonine at codon 415 is replaced by arginine, an amino acid with similar properties. This amino acid position is conserved. In addition, the in silico prediction for this alteration is inconclusive. Based on the available evidence, the clinical significance of this variant remains unclear.